The following is an entry in ClinVar:

NM_020247.5(COQ8A):c.1821C>A (p.Tyr607Ter)

Gene: COQ8A (coenzyme Q8A; plus strand). Cytogenetic location: 1q42.13.
Variant type: single nucleotide variant.
Coding change: c.1821C>A on transcript NM_020247.5 (MANE Select); coding-DNA position 1821, C replaced by A.
Protein change: p.Tyr607Ter; replaces tyrosine 607 with a stop codon.
Molecular consequence: nonsense.
Genome position (GRCh38, 1-based): chr1:226,986,614, C>A. VCF-style: chr1-226986614-C-A. GRCh37 (hg19) VCF-style: chr1-227174315-C-A.
Other names: short protein forms Y607*.
Identifiers: ClinVar variation 520594 (VCV000520594.10), dbSNP rs201618750, ClinGen allele CA1425682.

ClinVar aggregate classification (germline): Conflicting classifications of pathogenicity. Review status: criteria provided, conflicting classifications (1 of 4 stars). 4 submissions from 4 submitters: Pathogenic (1); Likely pathogenic (2); Uncertain significance (1). Last evaluated 2025-03-03.

Conditions:
Autosomal recessive ataxia due to ubiquinone deficiency. Also called: SPINOCEREBELLAR ATAXIA, AUTOSOMAL RECESSIVE 9; Coenzyme Q10 deficiency, primary, 4. Identifiers: Orphanet 139485, MedGen C2677589, MONDO:0012784, OMIM 612016.
Inborn genetic diseases. Identifiers: MedGen C0950123, MeSH D030342.

gnomAD v4.1: 4 of 1,614,058 alleles (0.00025%); highest among the groups gnomAD compares: Non-Finnish European, 0.00034%; no homozygotes.

Submissions (4):

Labcorp Genetics (formerly Invitae), Labcorp
Classification: Pathogenic. Last evaluated: 2025-03-03. Review status: criteria provided, single submitter. Criteria: Invitae Variant Classification Sherloc (09022015). Collection method: clinical testing. Allele origin: germline.
Comment: This sequence change creates a premature translational stop signal (p.Tyr607*) in the COQ8A gene. While this is not anticipated to result in nonsense mediated decay, it is expected to disrupt the last 41 amino acid(s) of the COQ8A protein. This variant is present in population databases (rs201618750, gnomAD 0.002%). This variant has not been reported in the literature in individuals affected with COQ8A-related conditions. ClinVar contains an entry for this variant (Variation ID: 520594). This variant disrupts a region of the COQ8A protein in which other variant(s) (p.Ser608Phe) have been determined to be pathogenic (PMID: 30968303). This suggests that this is a clinically significant region of the protein, and that variants that disrupt it are likely to be disease-causing. For these reasons, this variant has been classified as Pathogenic.

Athena Diagnostics
Classification: Uncertain significance. Last evaluated: 2023-11-08. Review status: criteria provided, single submitter. Criteria: Athena Diagnostics Criteria. Collection method: clinical testing. Allele origin: unknown.
Comment: Available data are insufficient to determine the clinical significance of the variant at this time. The frequency of this variant in the general population is uninformative in assessment of its pathogenicity. This variant is not expected to cause loss of protein expression through nonsense-mediated decay, however, it may still disrupt protein function.

Baylor Genetics
Classification: Likely pathogenic for Autosomal recessive ataxia due to ubiquinone deficiency. Last evaluated: 2020-08-20. Review status: criteria provided, single submitter. Criteria: ACMG Guidelines, 2015. Collection method: clinical testing. Allele origin: unknown. Affected: yes.
Comment: This variant was determined to be likely pathogenic according to ACMG Guidelines, 2015 [PMID:25741868].

Ambry Genetics
Classification: Likely pathogenic for Inborn genetic diseases. Last evaluated: 2014-11-21. Review status: criteria provided, single submitter. Criteria: Ambry exome assertion method (8-5-2015). Collection method: clinical testing. Allele origin: germline. Affected: yes. Observed: 1 variant allele.

Literature cited by the submitters: PubMed 30968303 (cited by Labcorp Genetics (formerly Invitae), Labcorp).